The following is an entry in ClinVar:

NM_001382430.1(AKT1):c.1359C>G (p.Asp453Glu)

Gene: AKT1 (AKT serine/threonine kinase 1; minus strand). Cytogenetic location: 14q32.33.
Variant type: single nucleotide variant.
Coding change: c.1359C>G on transcript NM_001382430.1 (MANE Select); coding-DNA position 1359, C replaced by G.
Protein change: p.Asp453Glu; replaces aspartic acid 453 with glutamic acid.
Molecular consequence: missense variant.
Genome position (GRCh38, 1-based): chr14:104,770,749, G>C on the plus strand (C>G on the coding strand, the complement: AKT1 is on the minus strand). VCF-style: chr14-104770749-G-C. GRCh37 (hg19) VCF-style: chr14-105237086-G-C.
Other names: c.1359C>G, p.Asp453Glu (NM_001014431.2, NM_001014432.2, NM_001382431.1 and 3 more transcripts); short protein forms D453E.
Identifiers: ClinVar variation 3850724 (VCV003850724.1).

ClinVar aggregate classification (germline): Uncertain significance (1 of 4 stars; one submission).

Conditions:
Inborn genetic diseases. Identifiers: MedGen C0950123, MeSH D030342.

gnomAD v4.1: 1 of 1,613,314 alleles (0.000062%); highest among the groups gnomAD compares: Non-Finnish European, 0.000085%; no homozygotes.

Submission:

Ambry Genetics
Classification: Uncertain significance for Inborn genetic diseases. Last evaluated: 2024-12-12. Review status: criteria provided, single submitter. Criteria: Ambry Variant Classification Scheme 2023. Collection method: clinical testing. Allele origin: germline.
Comment: The p.D453E variant (also known as c.1359C>G), located in coding exon 12 of the AKT1 gene, results from a C to G substitution at nucleotide position 1359. The aspartic acid at codon 453 is replaced by glutamic acid, an amino acid with highly similar properties. This amino acid position is conserved. In addition, this alteration is predicted to be tolerated by in silico analysis. Based on the available evidence, the clinical significance of this variant remains unclear.